The following is an entry in ClinVar:

NM_152641.4(ARID2):c.227T>G (p.Phe76Cys)

Gene: ARID2 (AT-rich interaction domain 2; plus strand). Cytogenetic location: 12q12.
Variant type: single nucleotide variant.
Coding change: c.227T>G on transcript NM_152641.4 (MANE Select); coding-DNA position 227, T replaced by G.
Protein change: p.Phe76Cys; replaces phenylalanine 76 with cysteine.
Molecular consequence: missense variant.
Genome position (GRCh38, 1-based): chr12:45,731,257, T>G. VCF-style: chr12-45731257-T-G. GRCh37 (hg19) VCF-style: chr12-46125040-T-G.
Other names: c.227T>G, p.Phe76Cys (NM_001347839.2); short protein forms F76C.
Identifiers: ClinVar variation 133573 (VCV000133573.2), dbSNP rs587778057, ClinGen allele CA156974.

ClinVar aggregate classification (germline): Uncertain significance. Review status: criteria provided, single submitter (1 of 4 stars). 2 submissions from 2 submitters: Uncertain significance (1). 1 of the submissions does not count toward it. Last evaluated 2025-02-12.

Submissions (2):

Women's Health and Genetics/Laboratory Corporation of America, LabCorp
Classification: Uncertain significance. Last evaluated: 2025-02-12. Review status: criteria provided, single submitter. Criteria: LabCorp Variant Classification Summary - May 2015. Collection method: clinical testing. Allele origin: germline.
Comment: Variant summary: ARID2 c.227T>G (p.Phe76Cys) results in a non-conservative amino acid change located in the ARID domain profile (IPR001606) of the encoded protein sequence. Four of five in-silico tools predict a damaging effect of the variant on protein function. The variant was absent in 251432 control chromosomes. The available data on variant occurrences in the general population are insufficient to allow any conclusion about variant significance. To our knowledge, no occurrence of c.227T>G in individuals affected with Coffin-Siris Syndrome 6 and no experimental evidence demonstrating its impact on protein function have been reported. ClinVar contains an entry for this variant (Variation ID: 133573). Based on the evidence outlined above, the variant was classified as uncertain significance.

ITMI
No classification provided. Condition: AllHighlyPenetrant. Last evaluated: 2013-09-19. Review status: no classification provided. Collection method: reference population. Allele origin: germline. Not counted in ClinVar's aggregate classification.
Comment: Please see associated publication for description of ethnicities

Literature cited by the submitters: PubMed 24728327 (cited by ITMI).